The following is an entry in ClinVar:

ClinVar aggregate classification (germline): Uncertain significance (1 of 4 stars; one submission).

gnomAD v4.1: 2 of 1,537,378 alleles (0.00013%); highest among the groups gnomAD compares: Admixed American, 0.002%; no homozygotes.

Submission:

GeneDx
Classification: Uncertain significance. Last evaluated: 2024-08-08. Review status: criteria provided, single submitter. Criteria: GeneDx Variant Classification Process June 2021. Collection method: clinical testing. Allele origin: germline. Affected: yes.
Comment: Not observed at significant frequency in large population cohorts (gnomAD); In silico analysis supports that this missense variant has a deleterious effect on protein structure/function; Has not been previously published as pathogenic or benign to our knowledge

NM_015656.2(KIF26A):c.4130C>A (p.Pro1377Gln)

Gene: KIF26A (kinesin family member 26A; plus strand). Cytogenetic location: 14q32.33.
Variant type: single nucleotide variant.
Coding change: c.4130C>A on transcript NM_015656.2 (MANE Select); coding-DNA position 4130, C replaced by A.
Protein change: p.Pro1377Gln; replaces proline 1377 with glutamine.
Molecular consequence: missense variant.
Genome position (GRCh38, 1-based): chr14:104,176,918, C>A. VCF-style: chr14-104176918-C-A. GRCh37 (hg19) VCF-style: chr14-104643255-C-A.
Other names: short protein forms P1377Q.
Identifiers: ClinVar variation 3603162 (VCV003603162.1).